The following is an entry in ClinVar:

ClinVar aggregate classification (germline): Likely benign. Review status: criteria provided, multiple submitters, no conflicts (2 of 4 stars). 3 submissions from 3 submitters: Likely benign (3). Last evaluated 2026-07-01.

Conditions:
Biotinidase deficiency. Also called: Biotin deficiency; BTD deficiency; Late-onset biotin-responsive multiple carboxylase deficiency. Identifiers: Orphanet 79241, MedGen C0220754, MONDO:0009665, OMIM 253260.

Allele frequency attached by ClinVar (database versions not stated): ExAC 0.00001; gnomAD 0.00002; gnomAD exomes 0.00002; TOPMed 0.00003.
gnomAD v4.1: 137 of 1,614,022 alleles (0.0085%); highest among the groups gnomAD compares: Non-Finnish European, 0.011%; no homozygotes.

Submissions (3):

CeGaT Center for Human Genetics Tuebingen
Classification: Likely benign. Last evaluated: 2026-07-01. Review status: criteria provided, single submitter. Criteria: CeGaT Center For Human Genetics Tuebingen Variant Classification Criteria Version 2. Collection method: clinical testing. Allele origin: germline. Affected: yes. Observed: 1 variant allele.
Comment: BTD: BP4, BP7

Labcorp Genetics (formerly Invitae), Labcorp
Classification: Likely benign for Biotinidase deficiency. Last evaluated: 2025-12-03. Review status: criteria provided, single submitter. Criteria: Invitae Variant Classification Sherloc (09022015). Collection method: clinical testing. Allele origin: germline.

Blueprint Genetics
Classification: Likely benign. Last evaluated: 2024-01-23. Review status: criteria provided, single submitter. Criteria: ACMG Guidelines, 2015. Collection method: clinical testing. Allele origin: germline.

NM_001370658.1(BTD):c.852A>G (p.Pro284=)

Gene: BTD (biotinidase; plus strand). Cytogenetic location: 3p25.1.
Variant type: single nucleotide variant.
Coding change: c.852A>G on transcript NM_001370658.1 (MANE Select); coding-DNA position 852, A replaced by G.
Protein change: p.Pro284=; no amino-acid change (proline 284 retained).
Molecular consequence: synonymous variant. On other transcripts: intron variant (6).
Genome position (GRCh38, 1-based): chr3:15,644,768, A>G. VCF-style: chr3-15644768-A-G. GRCh37 (hg19) VCF-style: chr3-15686275-A-G.
Other names: c.852A>G, p.Pro284= (NM_001281723.4, NM_001281724.3, NM_001281725.3 and 18 more transcripts); c.399+2711A>G (NM_001370753.1, NM_001407400.1, NM_001407380.1 and 3 more transcripts).
Identifiers: ClinVar variation 1088137 (VCV001088137.12), dbSNP rs778024234, ClinGen allele CA2277395.
Genomic context (GRCh38, chr3:15,644,768, plus strand): 5'-TCAGAAAGCTTTTGCTGTTGCCTTTGGCATCAACGTTCTGGCAGCTAATGTCCACCACCC[A>G]GTTCTGGGGATGACAGGAAGTGGCATACACACCCCTCTGGAGTCCTTTTGGTACCATGAC-3'
Protein context (NP_001357587.1, residues 274-294): INVLAANVHH[Pro284=]VLGMTGSGIH